The following is an entry in ClinVar:

ClinVar aggregate classification (germline): Uncertain significance. Review status: criteria provided, single submitter (1 of 4 stars). 2 submissions from 2 submitters: Uncertain significance (1). 1 of the submissions does not count toward it. Last evaluated 2024-06-10.

Conditions:
Fanconi anemia (FA). Also called: Fanconi's anemia. Identifiers: Orphanet 84, MedGen C0015625, MeSH D005199, MONDO:0019391.

Allele frequency attached by ClinVar (database versions not stated): gnomAD exomes below 0.00001; ExAC 0.00001.
gnomAD v4.1: 2 of 1,613,716 alleles (0.00012%); highest among the groups gnomAD compares: Non-Finnish European, 0.00017%; no homozygotes.

Submissions (2):

Labcorp Genetics (formerly Invitae), Labcorp
Classification: Uncertain significance for Fanconi anemia. Last evaluated: 2024-06-10. Review status: criteria provided, single submitter. Criteria: Invitae Variant Classification Sherloc (09022015). Collection method: clinical testing. Allele origin: germline.
Comment: This sequence change replaces threonine, which is neutral and polar, with isoleucine, which is neutral and non-polar, at codon 66 of the FANCC protein (p.Thr66Ile). This variant is present in population databases (rs762234072, gnomAD 0.0009%). This variant has not been reported in the literature in individuals affected with FANCC-related conditions. ClinVar contains an entry for this variant (Variation ID: 1003672). Advanced modeling of protein sequence and biophysical properties (such as structural, functional, and spatial information, amino acid conservation, physicochemical variation, residue mobility, and thermodynamic stability) has been performed at Invitae for this missense variant, however the output from this modeling did not meet the statistical confidence thresholds required to predict the impact of this variant on FANCC protein function. In summary, the available evidence is currently insufficient to determine the role of this variant in disease. Therefore, it has been classified as a Variant of Uncertain Significance.

Natera, Inc.
Classification: Uncertain significance for Fanconi anemia. Last evaluated: 2020-01-24. Review status: no assertion criteria provided. Collection method: clinical testing. Allele origin: germline. Not counted in ClinVar's aggregate classification.

NM_000136.3(FANCC):c.197C>T (p.Thr66Ile)

Gene: FANCC (FA complementation group C; minus strand). Cytogenetic location: 9q22.32.
Variant type: single nucleotide variant.
Coding change: c.197C>T on transcript NM_000136.3 (MANE Select); coding-DNA position 197, C replaced by T.
Protein change: p.Thr66Ile; replaces threonine 66 with isoleucine.
Molecular consequence: missense variant.
Genome position (GRCh38, 1-based): chr9:95,247,485, G>A on the plus strand (C>T on the coding strand, the complement: FANCC is on the minus strand). VCF-style: chr9-95247485-G-A. GRCh37 (hg19) VCF-style: chr9-98009767-G-A.
Other names: c.197C>T, p.Thr66Ile (NM_001243743.2, NM_001243744.2); short protein forms T66I.
Identifiers: ClinVar variation 1003672 (VCV001003672.12), dbSNP rs762234072, ClinGen allele CA5137806.